The following is an entry in ClinVar:

ClinVar aggregate classification (germline): Uncertain significance. Review status: criteria provided, multiple submitters, no conflicts (2 of 4 stars). 2 submissions from 2 submitters: Uncertain significance (2). Last evaluated 2024-11-10.

Conditions:
Deficiency of ferroxidase (ACEP). Also called: NEURODEGENERATION WITH BRAIN IRON ACCUMULATION 10; Ceruloplasmin deficiency; Familial apoceruloplasmin deficiency; Hereditary ceruloplasmin deficiency; Aceruloplasminemia; Deficiency of ceruloplasmin. Identifiers: Orphanet 48818, MedGen C0878682, MONDO:0011426, OMIM 604290, HP:0025498.
Inborn genetic diseases. Identifiers: MedGen C0950123, MeSH D030342.

Allele frequency attached by ClinVar (database versions not stated): gnomAD 0.00001 and 0.00002; gnomAD exomes 0.00001 and 0.00005; ExAC 0.00005; TOPMed 0.00005; 1000 Genomes Project 0.00020; 1000 Genomes Project 30x 0.00031.

Submissions (2):

Ambry Genetics
Classification: Uncertain significance for Inborn genetic diseases. Last evaluated: 2024-11-10. Review status: criteria provided, single submitter. Criteria: Ambry Variant Classification Scheme 2023. Collection method: clinical testing. Allele origin: germline.

Labcorp Genetics (formerly Invitae), Labcorp
Classification: Uncertain significance for Deficiency of ferroxidase. Last evaluated: 2022-02-09. Review status: criteria provided, single submitter. Criteria: Invitae Variant Classification Sherloc (09022015). Collection method: clinical testing. Allele origin: germline.
Comment: In summary, the available evidence is currently insufficient to determine the role of this variant in disease. Therefore, it has been classified as a Variant of Uncertain Significance. Algorithms developed to predict the effect of missense changes on protein structure and function are either unavailable or do not agree on the potential impact of this missense change (SIFT: "Deleterious"; PolyPhen-2: "Probably Damaging"; Align-GVGD: "Class C0"). ClinVar contains an entry for this variant (Variation ID: 659000). This variant has not been reported in the literature in individuals affected with CP-related conditions. This variant is present in population databases (rs200864206, gnomAD 0.03%). This sequence change replaces leucine, which is neutral and non-polar, with isoleucine, which is neutral and non-polar, at codon 634 of the CP protein (p.Leu634Ile).

NM_000096.4(CP):c.1900C>A (p.Leu634Ile)

Gene: CP (ceruloplasmin; minus strand). Cytogenetic location: 3q24.
Variant type: single nucleotide variant.
Coding change: c.1900C>A on transcript NM_000096.4 (MANE Select); coding-DNA position 1900, C replaced by A.
Protein change: p.Leu634Ile; replaces leucine 634 with isoleucine.
Molecular consequence: missense variant.
Genome position (GRCh38, 1-based): chr3:149,186,697, G>T on the plus strand (C>A on the coding strand, the complement: CP is on the minus strand). VCF-style: chr3-149186697-G-T. GRCh37 (hg19) VCF-style: chr3-148904484-G-T.
Other names: short protein forms L634I.
Identifiers: ClinVar variation 659000 (VCV000659000.10), dbSNP rs200864206, ClinGen allele CA2660893.
Genomic context (GRCh38, chr3:149,186,697, plus strand): 5'-CGGCCTCATTTCCGGCGCTGAATAAGTACCACACGACCGAATCTCCTTTGCACATAGTGA[G>T]ACCCGGCTGATTCCCATACATGAATCCATTCATGGCTGTAAAAGTTGGGAAATAACATTT-3'
Protein context (NP_000087.2, residues 624-644): NGFMYGNQPG[Leu634Ile]TMCKGDSVVW